The following is an entry in ClinVar:

ClinVar aggregate classification (germline): Benign (1 of 4 stars; one submission).

Conditions:
Bartsocas-Papas syndrome 1. Also called: MULTIPLE PTERYGIUM SYNDROME, ASLAN TYPE; Bartsocas-Papas syndrome; PTERYGIUM, POPLITEAL, LETHAL TYPE. Identifiers: Orphanet 1234, MedGen C1849718, MONDO:0009901, OMIM 263650.

Allele frequency attached by ClinVar (database versions not stated): gnomAD 0.00742 and 0.00795; TOPMed 0.00831; 1000 Genomes Project 0.00839; 1000 Genomes Project 30x 0.00843.

Submission:

Illumina Laboratory Services, Illumina
Classification: Benign for Bartsocas-Papas syndrome 1. Last evaluated: 2018-01-12. Review status: criteria provided, single submitter. Criteria: ICSL Variant Classification Criteria 13 December 2019. Collection method: clinical testing. Allele origin: germline.
Comment: This variant was observed in the ICSL laboratory as part of a predisposition screen in an ostensibly healthy population. It had not been previously curated by ICSL or reported in the Human Gene Mutation Database (HGMD: prior to June 1st, 2018), and was therefore a candidate for classification through an automated scoring system. Utilizing variant allele frequency, disease prevalence and penetrance estimates, and inheritance mode, an automated score was calculated to assess if this variant is too frequent to cause the disease. Based on the score and internal cut-off values, a variant classified as benign is not then subjected to further curation. The score for this variant resulted in a classification of benign for this disease.

NM_020639.3(RIPK4):c.*550C>G

Gene: RIPK4 (receptor interacting serine/threonine kinase 4; minus strand). Cytogenetic location: 21q22.3.
Variant type: single nucleotide variant.
Coding change: c.*550C>G on transcript NM_020639.3 (MANE Select); 550 bases downstream of the stop codon, C replaced by G.
Molecular consequence: 3 prime UTR variant.
Genome position (GRCh38, 1-based): chr21:41,740,288, G>C on the plus strand (C>G on the coding strand, the complement: RIPK4 is on the minus strand). VCF-style: chr21-41740288-G-C. GRCh37 (hg19) VCF-style: chr21-43160448-G-C.
Identifiers: ClinVar variation 898253 (VCV000898253.4), dbSNP rs113816274, ClinGen allele CA321452810.